The following is an entry in ClinVar:

NM_020987.5(ANK3):c.10397T>A (p.Val3466Asp)

Gene: ANK3 (ankyrin 3; minus strand). Cytogenetic location: 10q21.2.
Variant type: single nucleotide variant.
Coding change: c.10397T>A on transcript NM_020987.5 (MANE Select); coding-DNA position 10397, T replaced by A.
Protein change: p.Val3466Asp; replaces valine 3466 with aspartic acid.
Molecular consequence: missense variant. On other transcripts: intron variant (4).
Genome position (GRCh38, 1-based): chr10:60,070,484, A>T on the plus strand (T>A on the coding strand, the complement: ANK3 is on the minus strand). VCF-style: chr10-60070484-A-T. GRCh37 (hg19) VCF-style: chr10-61830242-A-T.
Other names: c.10397T>A (NM_020987.3); c.4388-2475T>A (NM_001204403.2); c.4409-2475T>A (NM_001204404.2); c.4406-2475T>A (NM_001320874.2); c.1808-2475T>A (NM_001149.4); short protein forms V3466D.
Identifiers: ClinVar variation 1298482 (VCV001298482.42), dbSNP rs201398340, ClinGen allele CA5511250.

ClinVar aggregate classification (germline): Uncertain significance. Review status: criteria provided, multiple submitters, no conflicts (2 of 4 stars). 4 submissions from 4 submitters: Uncertain significance (4). Last evaluated 2026-01-02.

Conditions:
Inborn genetic diseases. Identifiers: MedGen C0950123, MeSH D030342.
Intellectual developmental disorder, autosomal recessive 37. Also called: Intellectual disability-hypotonia-spasticity-sleep disorder syndrome. Identifiers: Orphanet 356996, MedGen C3809672, MONDO:0014210, OMIM 615493.

Allele frequency attached by ClinVar (database versions not stated): gnomAD exomes 0.00009 and 0.00006; TOPMed 0.00007; ExAC 0.00008; gnomAD 0.00007; ESP Exome Variant Server 0.00015.
gnomAD v4.1: 135 of 1,613,918 alleles (0.0084%); highest among the groups gnomAD compares: Non-Finnish European, 0.011%; no homozygotes.

Submissions (4):

Labcorp Genetics (formerly Invitae), Labcorp
Classification: Uncertain significance. Last evaluated: 2026-01-02. Review status: criteria provided, single submitter. Criteria: Invitae Variant Classification Sherloc (09022015). Collection method: clinical testing. Allele origin: germline.
Comment: This sequence change replaces valine, which is neutral and non-polar, with aspartic acid, which is acidic and polar, at codon 3466 of the ANK3 protein (p.Val3466Asp). This variant is present in population databases (rs201398340, gnomAD 0.01%). This variant has not been reported in the literature in individuals affected with ANK3-related conditions. ClinVar contains an entry for this variant (Variation ID: 1298482). An algorithm developed to predict the effect of missense changes on protein structure and function (PolyPhen-2) suggests that this variant is likely to be disruptive. In summary, the available evidence is currently insufficient to determine the role of this variant in disease. Therefore, it has been classified as a Variant of Uncertain Significance.

Ambry Genetics
Classification: Uncertain significance for Inborn genetic diseases. Last evaluated: 2023-12-30. Review status: criteria provided, single submitter. Criteria: Ambry Variant Classification Scheme 2023. Collection method: clinical testing. Allele origin: germline.

CeGaT Center for Human Genetics Tuebingen
Classification: Uncertain significance. Last evaluated: 2022-02-01. Review status: criteria provided, single submitter. Criteria: CeGaT Center For Human Genetics Tuebingen Variant Classification Criteria Version 2. Collection method: clinical testing. Allele origin: germline. Affected: yes. Observed: 3 variant alleles.

Fulgent Genetics
Classification: Uncertain significance for Intellectual developmental disorder, autosomal recessive 37. Last evaluated: 2021-07-19. Review status: criteria provided, single submitter. Criteria: ACMG Guidelines, 2015. Collection method: clinical testing. Allele origin: unknown.